The following is an entry in ClinVar:

NM_007126.5(VCP):c.2316-4A>G

Gene: VCP (valosin containing protein; minus strand). Cytogenetic location: 9p13.3.
Variant type: single nucleotide variant.
Coding change: c.2316-4A>G on transcript NM_007126.5 (MANE Select); 4 bases into the intron before coding-DNA position 2316, A replaced by G.
Molecular consequence: intron variant.
Genome position (GRCh38, 1-based): chr9:35,057,226, T>C on the plus strand (A>G on the coding strand, the complement: VCP is on the minus strand). VCF-style: chr9-35057226-T-C. GRCh37 (hg19) VCF-style: chr9-35057223-T-C.
Other names: c.2181-4A>G (NM_001354927.2, NM_001354928.2).
Identifiers: ClinVar variation 532767 (VCV000532767.21), dbSNP rs755625059, ClinGen allele CA5039068.

ClinVar aggregate classification (germline): Likely benign. Review status: criteria provided, multiple submitters, no conflicts (2 of 4 stars). 3 submissions from 3 submitters: Likely benign (3). Last evaluated 2025-08-01.

Conditions:
Frontotemporal dementia and/or amyotrophic lateral sclerosis 6 (FTDALS6). Also called: VCP-Related Amyotrophic Lateral Sclerosis; VCP-Related Amyotrophic Lateral Sclerosis/Frontotemporal Dementia. Identifiers: Orphanet 275872, Orphanet 803, MedGen C5436279, MONDO:0013501, OMIM 613954.
Inclusion body myopathy with Paget disease of bone and frontotemporal dementia. Also called: Inclusion body myopathy with early-onset Paget disease and frontotemporal dementia. Identifiers: Orphanet 52430, MedGen C1833662, MONDO:0000507.
VCP-related disorder. Also called: VCP-related disorders; VCP-related condition.

Allele frequency attached by ClinVar (database versions not stated): gnomAD exomes 0.00004 and 0.00006; ExAC 0.00005; TOPMed 0.00005; gnomAD 0.00006 and 0.00009.
gnomAD v4.1: 97 of 1,614,166 alleles (0.006%); highest among the groups gnomAD compares: Middle Eastern, 0.17%; no homozygotes.

Submissions (3):

CeGaT Center for Human Genetics Tuebingen
Classification: Likely benign. Last evaluated: 2025-08-01. Review status: criteria provided, single submitter. Criteria: CeGaT Center For Human Genetics Tuebingen Variant Classification Criteria Version 2. Collection method: clinical testing. Allele origin: germline. Affected: yes. Observed: 1 variant allele.
Comment: VCP: BP4

Labcorp Genetics (formerly Invitae), Labcorp
Classification: Likely benign for Inclusion body myopathy with Paget disease of bone and frontotemporal dementia; Frontotemporal dementia and/or amyotrophic lateral sclerosis 6. Last evaluated: 2025-07-29. Review status: criteria provided, single submitter. Criteria: Invitae Variant Classification Sherloc (09022015). Collection method: clinical testing. Allele origin: germline.

PreventionGenetics, part of Exact Sciences
Classification: Likely benign for VCP-related condition. Last evaluated: 2025-07-15. Review status: criteria provided, single submitter. Criteria: ACMG Guidelines, 2015. Collection method: clinical testing. Allele origin: germline.
Comment: This variant is classified as likely benign based on ACMG/AMP sequence variant interpretation guidelines (Richards et al. 2015 PMID: 25741868, with internal and published modifications).